The following is an entry in ClinVar:

ClinVar aggregate classification (germline): Uncertain significance (1 of 4 stars; one submission).

Conditions:
Hereditary cancer-predisposing syndrome. Also called: Neoplastic Syndromes, Hereditary; Hereditary Cancer Syndrome; Hereditary neoplastic syndrome; Tumor predisposition. Identifiers: Orphanet 140162, MedGen C0027672, MeSH D009386, MONDO:0015356.

Submission:

Ambry Genetics
Classification: Uncertain significance for Hereditary cancer-predisposing syndrome. Last evaluated: 2023-05-23. Review status: criteria provided, single submitter. Criteria: Ambry Variant Classification Scheme 2023. Collection method: clinical testing. Allele origin: germline.
Comment: The p.I388F variant (also known as c.1162A>T), located in coding exon 12 of the RB1 gene, results from an A to T substitution at nucleotide position 1162. The isoleucine at codon 388 is replaced by phenylalanine, an amino acid with highly similar properties. This amino acid position is conserved. In addition, the in silico prediction for this alteration is inconclusive. Since supporting evidence is limited at this time, the clinical significance of this alteration remains unclear.

NM_000321.3(RB1):c.1162A>T (p.Ile388Phe)

Gene: RB1 (RB transcriptional corepressor 1; plus strand). Cytogenetic location: 13q14.2.
Variant type: single nucleotide variant.
Coding change: c.1162A>T on transcript NM_000321.3 (MANE Select); coding-DNA position 1162, A replaced by T.
Protein change: p.Ile388Phe; replaces isoleucine 388 with phenylalanine.
Molecular consequence: missense variant.
Genome position (GRCh38, 1-based): chr13:48,373,439, A>T. VCF-style: chr13-48373439-A-T. GRCh37 (hg19) VCF-style: chr13-48947575-A-T.
Other names: c.1162A>T, p.Ile388Phe (NM_001407165.1, NM_001407166.1); short protein forms I388F.
Identifiers: ClinVar variation 2565236 (VCV002565236.2), dbSNP rs2542194936, ClinGen allele CA388161507.